The following is an entry in ClinVar:

ClinVar aggregate classification (germline): Uncertain significance (1 of 4 stars; one submission).

Conditions:
Retinitis pigmentosa 12 (RP12). Also called: RP WITH OR WITHOUT PPRPE; RP WITH OR WITHOUT PRESERVED PARAARTERIOLE RETINAL PIGMENT EPITHELIUM; RETINITIS PIGMENTOSA WITH OR WITHOUT PARAARTERIOLAR PRESERVATION OF RETINAL PIGMENT EPITHELIUM. Identifiers: Orphanet 791, MedGen C1838647, MONDO:0010818, OMIM 600105.
Leber congenital amaurosis 8 (LCA8). Identifiers: Orphanet 65, MedGen C3151202, MONDO:0013453, OMIM 613835.

Allele frequency attached by ClinVar (database versions not stated): gnomAD exomes 0.00001.
gnomAD v4.1: 17 of 1,613,876 alleles (0.0011%); highest among the groups gnomAD compares: Non-Finnish European, 0.0014%; no homozygotes.

Submission:

Labcorp Genetics (formerly Invitae), Labcorp
Classification: Uncertain significance for Leber congenital amaurosis 8; Retinitis pigmentosa 12. Last evaluated: 2023-10-02. Review status: criteria provided, single submitter. Criteria: Invitae Variant Classification Sherloc (09022015). Collection method: clinical testing. Allele origin: germline.
Comment: This sequence change replaces serine, which is neutral and polar, with arginine, which is basic and polar, at codon 1380 of the CRB1 protein (p.Ser1380Arg). This variant is not present in population databases (gnomAD no frequency). This variant has not been reported in the literature in individuals affected with CRB1-related conditions. ClinVar contains an entry for this variant (Variation ID: 2151349). Advanced modeling of protein sequence and biophysical properties (such as structural, functional, and spatial information, amino acid conservation, physicochemical variation, residue mobility, and thermodynamic stability) performed at Invitae indicates that this missense variant is expected to disrupt CRB1 protein function. In summary, the available evidence is currently insufficient to determine the role of this variant in disease. Therefore, it has been classified as a Variant of Uncertain Significance.

NM_201253.3(CRB1):c.4140C>A (p.Ser1380Arg)

Gene: CRB1 (crumbs cell polarity complex component 1; plus strand). Cytogenetic location: 1q31.3.
Variant type: single nucleotide variant.
Coding change: c.4140C>A on transcript NM_201253.3 (MANE Select); coding-DNA position 4140, C replaced by A.
Protein change: p.Ser1380Arg; replaces serine 1380 with arginine.
Molecular consequence: missense variant. On other transcripts: non-coding transcript variant (2).
Genome position (GRCh38, 1-based): chr1:197,477,798, C>A. VCF-style: chr1-197477798-C-A. GRCh37 (hg19) VCF-style: chr1-197446928-C-A.
Other names: c.3804C>A, p.Ser1268Arg (NM_001193640.2); c.4068C>A, p.Ser1356Arg (NM_001257965.2); c.2532C>A, p.Ser844Arg (NM_001257966.2); short protein forms S1268R, S1356R, S1380R, S844R.
Identifiers: ClinVar variation 2151349 (VCV002151349.2), dbSNP rs1667264307, ClinGen allele CA344035769.